The following is an entry in ClinVar:

NM_000141.5(FGFR2):c.962A>C (p.Asp321Ala)

Gene: FGFR2 (fibroblast growth factor receptor 2; minus strand). Cytogenetic location: 10q26.13.
Variant type: single nucleotide variant.
Coding change: c.962A>C on transcript NM_000141.5 (MANE Select); coding-DNA position 962, A replaced by C.
Protein change: p.Asp321Ala; replaces aspartic acid 321 with alanine.
Molecular consequence: missense variant. On other transcripts: non-coding transcript variant (1), intron variant (5).
Genome position (GRCh38, 1-based): chr10:121,517,441, T>G on the plus strand (A>C on the coding strand, the complement: FGFR2 is on the minus strand). VCF-style: chr10-121517441-T-G. GRCh37 (hg19) VCF-style: chr10-123276955-T-G.
Other names: c.695A>C, p.Asp232Ala (NM_001144915.2, NM_023029.3); c.617A>C, p.Asp206Ala (NM_001144916.2, NM_001144918.2); c.278A>C, p.Asp93Ala (NM_001320654.2); c.962A>C, p.Asp321Ala (NM_001320658.2); c.749-2122A>C (NM_001144914.1); c.939+2538A>C (NM_001144917.2); c.1087+1241A>C (NM_022970.4, NM_001144913.1); c.820+1241A>C (NM_001144919.2); short protein forms D321A, D232A, D206A, D93A.
Identifiers: ClinVar variation 13300 (VCV000013300.7), dbSNP rs121918510, ClinGen allele CA280195.

ClinVar aggregate classification (germline): Pathogenic. Review status: criteria provided, multiple submitters, no conflicts (2 of 4 stars). 3 submissions from 3 submitters: Pathogenic (2). 1 of the submissions does not count toward it. Last evaluated 2022-05-17.

Conditions:
FGFR2-related craniosynostosis. Identifiers: MedGen CN231480.
Pfeiffer syndrome (ACS5). Also called: ACS V. Identifiers: Orphanet 710, MedGen C0220658, MONDO:0007043, OMIM 101600.

Submissions (3):

Labcorp Genetics (formerly Invitae), Labcorp
Classification: Pathogenic for FGFR2-related craniosynostosis. Last evaluated: 2022-05-17. Review status: criteria provided, single submitter. Criteria: Invitae Variant Classification Sherloc (09022015). Collection method: clinical testing. Allele origin: germline.
Comment: For these reasons, this variant has been classified as Pathogenic. Experimental studies have shown that this missense change affects FGFR2 function (PMID: 15282208). Algorithms developed to predict the effect of missense changes on protein structure and function (SIFT, PolyPhen-2, Align-GVGD) all suggest that this variant is likely to be tolerated. ClinVar contains an entry for this variant (Variation ID: 13300). This missense change has been observed in individuals with autosomal dominant FGFR2-related conditions (PMID: 7719333, 9531645, 9586546, 10394936). This variant is not present in population databases (gnomAD no frequency). This sequence change replaces aspartic acid, which is acidic and polar, with alanine, which is neutral and non-polar, at codon 321 of the FGFR2 protein (p.Asp321Ala).

Genomic Diagnostic Laboratory, Division of Genomic Diagnostics, Children's Hospital of Philadelphia
Classification: Pathogenic for Pfeiffer syndrome. Last evaluated: 2016-09-17. Review status: criteria provided, single submitter. Criteria: DGD Variant Analysis Guidelines. Collection method: clinical testing. Allele origin: germline. Affected: yes. Observed: 1 variant allele.
Comment: Clinical Testing

OMIM
Classification: Pathogenic for PFEIFFER SYNDROME. Last evaluated: 2004-10-01. Review status: no assertion criteria provided. Collection method: literature only. Allele origin: germline. Not counted in ClinVar's aggregate classification.

Literature cited by the submitters: PubMed 15282208 (cited by Labcorp Genetics (formerly Invitae), Labcorp and OMIM); PubMed 7719333 (cited by Labcorp Genetics (formerly Invitae), Labcorp and OMIM); PubMed 9531645 (cited by Labcorp Genetics (formerly Invitae), Labcorp); PubMed 9586546 (cited by Labcorp Genetics (formerly Invitae), Labcorp and OMIM); PubMed 10394936 (cited by Labcorp Genetics (formerly Invitae), Labcorp).